The following is an entry in ClinVar:

ClinVar aggregate classification (germline): Uncertain significance (1 of 4 stars; one submission).

Conditions:
Bethlem myopathy 1A. Also called: Bethlem myopathy 1; MYOPATHY, BENIGN CONGENITAL, WITH CONTRACTURES; Bethlem Muscular Dystrophy. Identifiers: Orphanet 610, MedGen CN029274, MONDO:0024530, OMIM 158810.

Submission:

Labcorp Genetics (formerly Invitae), Labcorp
Classification: Uncertain significance for Bethlem myopathy 1A. Last evaluated: 2025-11-19. Review status: criteria provided, single submitter. Criteria: Invitae Variant Classification Sherloc (09022015). Collection method: clinical testing. Allele origin: germline.
Comment: This sequence change falls in intron 9 of the COL6A1 gene. It does not directly change the encoded amino acid sequence of the COL6A1 protein. Information on the frequency of this variant in the gnomAD database is not available, as this variant may be reported differently in the database. This variant has not been reported in the literature in individuals affected with COL6A1-related conditions. ClinVar contains an entry for this variant (Variation ID: 3624369). Experimental studies and prediction algorithms are not available or were not evaluated, and the effect of this variant on mRNA splicing is currently unknown. In summary, the available evidence is currently insufficient to determine the role of this variant in disease. Therefore, it has been classified as a Variant of Uncertain Significance.

NM_001848.3(COL6A1):c.859-19_859-18delinsGA

Gene: COL6A1 (collagen type VI alpha 1 chain; plus strand). Cytogenetic location: 21q22.3.
Variant type: Indel.
Coding change: c.859-19_859-18delinsGA on transcript NM_001848.3 (MANE Select); 19 bases into the intron before coding-DNA position 859 through 18 bases into the intron before coding-DNA position 859, AT replaced by GA.
Molecular consequence: intron variant.
Genome position (GRCh38, 1-based): chr21:45,989,589-45,989,590, AT replaced by GA. VCF-style: chr21-45989589-AT-GA. GRCh37 (hg19) VCF-style: chr21-47409503-AT-GA.
Identifiers: ClinVar variation 3624369 (VCV003624369.2).